The following is an entry in ClinVar:

NM_000182.5(HADHA):c.744C>T (p.Ala248=)

Gene: HADHA (hydroxyacyl-CoA dehydrogenase trifunctional multienzyme complex subunit alpha; minus strand). Cytogenetic location: 2p23.3.
Variant type: single nucleotide variant.
Coding change: c.744C>T on transcript NM_000182.5 (MANE Select); coding-DNA position 744, C replaced by T.
Protein change: p.Ala248=; no amino-acid change (alanine 248 retained).
Molecular consequence: synonymous variant.
Genome position (GRCh38, 1-based): chr2:26,215,108, G>A on the plus strand (C>T on the coding strand, the complement: HADHA is on the minus strand). VCF-style: chr2-26215108-G-A. GRCh37 (hg19) VCF-style: chr2-26437977-G-A.
Other names: c.744C>T (NM_000182.4).
Identifiers: ClinVar variation 2935432 (VCV002935432.4), dbSNP rs1670185222, ClinGen allele CA425199986.

ClinVar aggregate classification (germline): Likely benign. Review status: criteria provided, multiple submitters, no conflicts (2 of 4 stars). 2 submissions from 2 submitters: Likely benign (2). Last evaluated 2026-08-31.

Conditions:
Long chain 3-hydroxyacyl-CoA dehydrogenase deficiency. Also called: Deficiency of long-chain 3-hydroxyacyl-coenzyme A dehydrogenase; LCHAD Deficiency. Identifiers: Orphanet 5, MedGen C3711645, MONDO:0012173, OMIM 609016.
Mitochondrial trifunctional protein deficiency. Identifiers: Orphanet 746, MedGen C1969443, MONDO:0012172.
HADHA-related disorder. Also called: HADHA-related condition; HADHA-related disorders.

Allele frequency attached by ClinVar (database versions not stated): TOPMed below 0.00001.

Submissions (2):

PreventionGenetics, part of Exact Sciences
Classification: Likely benign for HADHA-related condition. Last evaluated: 2026-08-31. Review status: criteria provided, single submitter. Criteria: ACMG Guidelines, 2015. Collection method: clinical testing. Allele origin: germline.
Comment: This variant is classified as likely benign based on ACMG/AMP sequence variant interpretation guidelines (Richards et al. 2015 PMID: 25741868, with internal and published modifications).

Labcorp Genetics (formerly Invitae), Labcorp
Classification: Likely benign for Mitochondrial trifunctional protein deficiency; Long chain 3-hydroxyacyl-CoA dehydrogenase deficiency. Last evaluated: 2023-08-05. Review status: criteria provided, single submitter. Criteria: Invitae Variant Classification Sherloc (09022015). Collection method: clinical testing. Allele origin: germline.